The following is an entry in ClinVar:

ClinVar aggregate classification (germline): Pathogenic (1 of 4 stars; one submission).

Conditions:
Neurometabolic disorder due to serine deficiency. Identifiers: Orphanet 35705, MedGen C5680148, MONDO:0018162.

Submission:

Myriad Genetics, Inc.
Classification: Pathogenic for Neurometabolic disorder due to serine deficiency. Last evaluated: 2024-10-30. Review status: criteria provided, single submitter. Criteria: Myriad Autosomal Dominant, Autosomal Recessive and X-Linked Classification Criteria (2023). Collection method: clinical testing. Allele origin: unknown.
Comment: NM_006623.3(PHGDH):c.909delC(F303Lfs*5) is expected to be pathogenic in the context of serine deficiency disorder, PHGDH-related. This variant is predicted to lead to an abnormal or absent protein product due to the creation of a premature termination codon in PHGDH, a gene where loss-of-function variants are known to be pathogenic. Please note: this variant was assessed in the context of healthy population screening.

NM_006623.4(PHGDH):c.909del (p.Phe303fs)

Gene: PHGDH (phosphoglycerate dehydrogenase; plus strand). Cytogenetic location: 1p12.
Variant type: Deletion.
Coding change: c.909del on transcript NM_006623.4 (MANE Select); coding-DNA position 909, one base deleted (C; older notation c.909delC).
Protein change: p.Phe303fs; shifts the reading frame from phenylalanine 303.
Molecular consequence: frameshift variant.
Genome position (GRCh38, 1-based): chr1:119,737,230, C deleted. VCF-style (leftmost placement, unchanged base first): chr1-119737229-TC-T. GRCh37 (hg19) VCF-style: chr1-120279852-TC-T.
Other names: short protein forms F303fs.
Identifiers: ClinVar variation 5013687 (VCV005013687.1).